The following is an entry in ClinVar:

NM_004304.5(ALK):c.2603T>G (p.Leu868Arg)

Gene: ALK (ALK receptor tyrosine kinase; minus strand). Cytogenetic location: 2p23.2.
Variant type: single nucleotide variant.
Coding change: c.2603T>G on transcript NM_004304.5 (MANE Select); coding-DNA position 2603, T replaced by G.
Protein change: p.Leu868Arg; replaces leucine 868 with arginine.
Molecular consequence: missense variant.
Genome position (GRCh38, 1-based): chr2:29,232,333, A>C on the plus strand (T>G on the coding strand, the complement: ALK is on the minus strand). VCF-style: chr2-29232333-A-C. GRCh37 (hg19) VCF-style: chr2-29455199-A-C.
Other names: short protein forms L868R.
Identifiers: ClinVar variation 4715277 (VCV004715277.1).
Genomic context (GRCh38, chr2:29,232,333, plus strand): 5'-TCTGGGAGAGGGCACGCTTGCAGCGCTTTACCTGCGGCTCCGGAATTGCCGTTTAGCCCT[A>C]GAACCGAGGAGTTATTCTCCAGTCTCTCTGGGTGGAACGTGTCTGTCTTGGCCCCGTAGG-3'
Protein context (NP_004295.2, residues 858-878): PERLENNSSV[Leu868Arg]GLNGNSGAAG

ClinVar aggregate classification (germline): Uncertain significance (1 of 4 stars; one submission).

Conditions:
Neuroblastoma, susceptibility to, 3. Also called: ALK-Related Neuroblastic Tumor Susceptibility. Identifiers: Orphanet 635, MedGen C2751681, MONDO:0013083, OMIM 613014.

gnomAD v4.1: 1 of 1,614,246 alleles (0.000062%); highest among the groups gnomAD compares: Non-Finnish European, 0.000085%; no homozygotes.

Submission:

Labcorp Genetics (formerly Invitae), Labcorp
Classification: Uncertain significance for Neuroblastoma, susceptibility to, 3. Last evaluated: 2025-03-17. Review status: criteria provided, single submitter. Criteria: Invitae Variant Classification Sherloc (09022015). Collection method: clinical testing. Allele origin: germline.
Comment: This sequence change replaces leucine, which is neutral and non-polar, with arginine, which is basic and polar, at codon 868 of the ALK protein (p.Leu868Arg). This variant is not present in population databases (gnomAD no frequency). This variant has not been reported in the literature in individuals affected with ALK-related conditions. An algorithm developed to predict the effect of missense changes on protein structure and function (PolyPhen-2) suggests that this variant is likely to be disruptive. In summary, the available evidence is currently insufficient to determine the role of this variant in disease. Therefore, it has been classified as a Variant of Uncertain Significance.